The following is an entry in ClinVar:

NM_000540.3(RYR1):c.13832G>A (p.Gly4611Asp)

Gene: RYR1 (ryanodine receptor 1; plus strand). Cytogenetic location: 19q13.2.
Variant type: single nucleotide variant.
Coding change: c.13832G>A on transcript NM_000540.3 (MANE Select); coding-DNA position 13832, G replaced by A.
Protein change: p.Gly4611Asp; replaces glycine 4611 with aspartic acid.
Molecular consequence: missense variant.
Genome position (GRCh38, 1-based): chr19:38,572,104, G>A. VCF-style: chr19-38572104-G-A. GRCh37 (hg19) VCF-style: chr19-39062744-G-A.
Other names: c.13817G>A, p.Gly4606Asp (NM_001042723.2); short protein forms G4611D, G4606D.
Identifiers: ClinVar variation 1387619 (VCV001387619.7), dbSNP rs2145869746, ClinGen allele CA405680513.

ClinVar aggregate classification (germline): Uncertain significance. Review status: criteria provided, multiple submitters, no conflicts (2 of 4 stars). 2 submissions from 2 submitters: Uncertain significance (2). Last evaluated 2024-08-13.

Conditions:
RYR1-related disorder. Also called: RYR1-related disorders; RYR1-related condition. Identifiers: MedGen CN239331.
Malignant hyperthermia, susceptibility to, 1 (MHS1). Also called: RYR1-Related Malignant Hyperthermia Susceptibility; Malignant hyperthermia suceptibility 1; Anesthesia related hyperthermia; Malignant hyperpyrexia; Fulminating hyperpyrexia; Pharmacogenic myopathy. Identifiers: Orphanet 423, MedGen C2930980, MONDO:0007783, OMIM 145600.

Submissions (2):

All of Us Research Program, National Institutes of Health
Classification: Uncertain significance for Malignant hyperthermia, susceptibility to, 1. Last evaluated: 2024-08-13. Review status: criteria provided, single submitter. Criteria: ACMG Guidelines, 2015. Collection method: clinical testing. Allele origin: germline. Inheritance: Autosomal dominant inheritance. Observed: 1 variant allele, 1 heterozygote.
Comment: This missense variant replaces glycine with aspartic acid at codon 4611 of the RYR1 protein. Computational prediction is inconclusive regarding the impact of this variant on protein structure and function (internally defined REVEL score threshold 0.5 < inconclusive < 0.7, PMID: 27666373). To our knowledge, functional studies have not been reported for this variant. This variant has not been reported in individuals affected with RYR1-related disorders in the literature. This variant has not been identified in the general population by the Genome Aggregation Database (gnomAD). The available evidence is insufficient to determine the role of this variant in disease conclusively. Therefore, this variant is classified as a Variant of Uncertain Significance.

This study involves interpretation of variants in research participants for the purpose of population health screening. Participant phenotype was not available at the time of variant classification. Additional details can be found in publication PMID: 35346344, PMCID: PMC8962531

Labcorp Genetics (formerly Invitae), Labcorp
Classification: Uncertain significance for RYR1-related disorder. Last evaluated: 2022-06-20. Review status: criteria provided, single submitter. Criteria: Invitae Variant Classification Sherloc (09022015). Collection method: clinical testing. Allele origin: germline.
Comment: This variant has not been reported in the literature in individuals affected with RYR1-related conditions. In summary, the available evidence is currently insufficient to determine the role of this variant in disease. Therefore, it has been classified as a Variant of Uncertain Significance. Advanced modeling of protein sequence and biophysical properties (such as structural, functional, and spatial information, amino acid conservation, physicochemical variation, residue mobility, and thermodynamic stability) performed at Invitae indicates that this missense variant is not expected to disrupt RYR1 protein function. This variant is not present in population databases (gnomAD no frequency). This sequence change replaces glycine, which is neutral and non-polar, with aspartic acid, which is acidic and polar, at codon 4611 of the RYR1 protein (p.Gly4611Asp).